The following is an entry in ClinVar:

NM_001128840.3(CACNA1D):c.2659A>G (p.Ile887Val)

Gene: CACNA1D (calcium voltage-gated channel subunit alpha1 D; plus strand). Cytogenetic location: 3p21.1.
Variant type: single nucleotide variant.
Coding change: c.2659A>G on transcript NM_001128840.3 (MANE Select); coding-DNA position 2659, A replaced by G.
Protein change: p.Ile887Val; replaces isoleucine 887 with valine.
Molecular consequence: missense variant.
Genome position (GRCh38, 1-based): chr3:53,735,411, A>G. VCF-style: chr3-53735411-A-G. GRCh37 (hg19) VCF-style: chr3-53769438-A-G.
Other names: c.2719A>G, p.Ile907Val (NM_000720.4); c.2659A>G, p.Ile887Val (NM_001128839.3); short protein forms I907V, I887V.
Identifiers: ClinVar variation 1482473 (VCV001482473.6), dbSNP rs1366252476, ClinGen allele CA353242457.

ClinVar aggregate classification (germline): Uncertain significance (1 of 4 stars; one submission).

Allele frequency attached by ClinVar (database versions not stated): gnomAD exomes 0.00001 and 0.00002.
gnomAD v4.1: 6 of 1,614,040 alleles (0.00037%); highest among the groups gnomAD compares: Admixed American, 0.0017%; no homozygotes.

Submission:

Labcorp Genetics (formerly Invitae), Labcorp
Classification: Uncertain significance. Last evaluated: 2021-08-27. Review status: criteria provided, single submitter. Criteria: Invitae Variant Classification Sherloc (09022015). Collection method: clinical testing. Allele origin: germline.
Comment: In summary, the available evidence is currently insufficient to determine the role of this variant in disease. Therefore, it has been classified as a Variant of Uncertain Significance. Algorithms developed to predict the effect of missense changes on protein structure and function output the following: SIFT: "Tolerated"; PolyPhen-2: "Benign"; Align-GVGD: "Class C0". The valine amino acid residue is found in multiple mammalian species, which suggests that this missense change does not adversely affect protein function. This variant has not been reported in the literature in individuals affected with CACNA1D-related conditions. This variant is not present in population databases (ExAC no frequency). This sequence change replaces isoleucine with valine at codon 907 of the CACNA1D protein (p.Ile907Val). The isoleucine residue is moderately conserved and there is a small physicochemical difference between isoleucine and valine.